The following is an entry in ClinVar:

ClinVar aggregate classification (germline): Conflicting classifications of pathogenicity. Review status: criteria provided, conflicting classifications (1 of 4 stars). 2 submissions from 2 submitters: Uncertain significance (1); Likely benign (1). Last evaluated 2026-03-17.

Conditions:
Inborn genetic diseases. Identifiers: MedGen C0950123, MeSH D030342.

gnomAD v4.1: 2 of 1,579,550 alleles (0.00013%); highest among the groups gnomAD compares: Non-Finnish European, 0.00017%; no homozygotes.

Submissions (2):

Ambry Genetics
Classification: Likely benign for Inborn genetic diseases. Last evaluated: 2026-03-17. Review status: criteria provided, single submitter. Criteria: Ambry Variant Classification Scheme 2023. Collection method: clinical testing. Allele origin: germline.

Labcorp Genetics (formerly Invitae), Labcorp
Classification: Uncertain significance. Last evaluated: 2025-12-30. Review status: criteria provided, single submitter. Criteria: Invitae Variant Classification Sherloc (09022015). Collection method: clinical testing. Allele origin: germline.
Comment: This sequence change replaces aspartic acid, which is acidic and polar, with asparagine, which is neutral and polar, at codon 426 of the NACC1 protein (p.Asp426Asn). This variant is not present in population databases (gnomAD no frequency). This variant has not been reported in the literature in individuals affected with NACC1-related conditions. Invitae Evidence Modeling of protein sequence and biophysical properties (such as structural, functional, and spatial information, amino acid conservation, physicochemical variation, residue mobility, and thermodynamic stability) indicates that this missense variant is not expected to disrupt NACC1 protein function with a negative predictive value of 80%. In summary, the available evidence is currently insufficient to determine the role of this variant in disease. Therefore, it has been classified as a Variant of Uncertain Significance.

NM_052876.4(NACC1):c.1276G>A (p.Asp426Asn)

Gene: NACC1 (nucleus accumbens associated 1; plus strand). Cytogenetic location: 19p13.13.
Variant type: single nucleotide variant.
Coding change: c.1276G>A on transcript NM_052876.4 (MANE Select); coding-DNA position 1276, G replaced by A.
Protein change: p.Asp426Asn; replaces aspartic acid 426 with asparagine.
Molecular consequence: missense variant.
Genome position (GRCh38, 1-based): chr19:13,137,527, G>A. VCF-style: chr19-13137527-G-A. GRCh37 (hg19) VCF-style: chr19-13248341-G-A.
Other names: c.1276G>A (NM_052876.2); short protein forms D426N.
Identifiers: ClinVar variation 4743963 (VCV004743963.2).